The following is an entry in ClinVar:

NM_014639.4(SKIC3):c.2862del (p.Gln953_Tyr954insTer)

Gene: SKIC3 (SKI3 subunit of superkiller complex; minus strand). Cytogenetic location: 5q15.
Variant type: Deletion.
Coding change: c.2862del on transcript NM_014639.4 (MANE Select); coding-DNA position 2862, one base deleted (C; older notation c.2862delC).
Protein change: p.Gln953_Tyr954insTer.
Molecular consequence: nonsense.
Genome position (GRCh38, 1-based): chr5:95,512,535, G deleted on the plus strand (C on the coding strand, the reverse complement: SKIC3 is on the minus strand). VCF-style (leftmost placement, unchanged base first): chr5-95512534-TG-T. GRCh37 (hg19) VCF-style: chr5-94848238-TG-T.
Identifiers: ClinVar variation 2794288 (VCV002794288.3), dbSNP rs867929430, ClinGen allele CA122849000.
Genomic context (GRCh38, chr5:95,512,534, plus strand): 5'-TACCTACATATTTATTCAAAATAACTTGTGCTGCTGGAATAGCATTCATCTGGAGGATGT[TG>T]TACTGGTACAGCTCTGTTTCTCTGTTGCTTTTATCTTGCAATGTTGTGCAGACCCAATAC-3'

ClinVar aggregate classification (germline): Pathogenic (1 of 4 stars; one submission).

Allele frequency attached by ClinVar (database versions not stated): gnomAD exomes below 0.00001; ESP Exome Variant Server 0.00008.

Submission:

Labcorp Genetics (formerly Invitae), Labcorp
Classification: Pathogenic. Last evaluated: 2023-03-17. Review status: criteria provided, single submitter. Criteria: Invitae Variant Classification Sherloc (09022015). Collection method: clinical testing. Allele origin: germline.
Comment: For these reasons, this variant has been classified as Pathogenic. Algorithms developed to predict the effect of sequence changes on RNA splicing suggest that this variant may disrupt the consensus splice site. This variant has not been reported in the literature in individuals affected with TTC37-related conditions. This variant is not present in population databases (gnomAD no frequency). This sequence change creates a premature translational stop signal (p.Tyr954*) in the TTC37 gene. It is expected to result in an absent or disrupted protein product. Loss-of-function variants in TTC37 are known to be pathogenic (PMID: 20176027, 21120949).

Literature cited by the submitters: PubMed 20176027; PubMed 21120949.